The following is an entry in ClinVar:

ClinVar aggregate classification (germline): Likely pathogenic. Review status: criteria provided, multiple submitters, no conflicts (2 of 4 stars). 3 submissions from 3 submitters: Likely pathogenic (2). 1 of the submissions does not count toward it. Last evaluated 2025-03-04.

Conditions:
Birt-Hogg-Dube syndrome. Also called: Birt Hogg Dubé syndrome. Identifiers: Orphanet 122, MedGen C0346010, MONDO:0800444.

Submissions (3):

Center for Genomic Medicine, Rigshospitalet, Copenhagen University Hospital
Classification: Likely pathogenic. Last evaluated: 2025-03-04. Review status: criteria provided, single submitter. Criteria: ACMG Guidelines, 2015. Collection method: clinical testing. Allele origin: germline.

Labcorp Genetics (formerly Invitae), Labcorp
Classification: Likely pathogenic for Birt-Hogg-Dube syndrome. Last evaluated: 2021-11-06. Review status: criteria provided, single submitter. Criteria: Invitae Variant Classification Sherloc (09022015). Collection method: clinical testing. Allele origin: germline.
Comment: In summary, the currently available evidence indicates that the variant is pathogenic, but additional data are needed to prove that conclusively. Therefore, this variant has been classified as Likely Pathogenic. Algorithms developed to predict the effect of sequence changes on RNA splicing suggest that this variant may disrupt the consensus splice site. This sequence change affects a donor splice site in intron 5 of the FLCN gene. It is expected to disrupt RNA splicing. Variants that disrupt the donor or acceptor splice site typically lead to a loss of protein function (PMID: 16199547), and loss-of-function variants in FLCN are known to be pathogenic (PMID: 15852235). This variant is not present in population databases (gnomAD no frequency). Disruption of this splice site has been observed in individual(s) with clinical features of Birt-Hogg-Dubé syndrome (PMID: 24393238).

Division of Respiratory Medicine of Juntendo University, Juntendo University Faculty of Medicine and Graduate School of Medicine
Classification: Pathogenic for Birt-Hogg-Dube syndrome 1. Last evaluated: 2023-07-01. Review status: no assertion criteria provided. Collection method: clinical testing. Allele origin: germline. Affected: yes. Not counted in ClinVar's aggregate classification.

Literature cited by the submitters: PubMed 16199547 (cited by Labcorp Genetics (formerly Invitae), Labcorp); PubMed 15852235 (cited by Labcorp Genetics (formerly Invitae), Labcorp); PubMed 24393238 (cited by Labcorp Genetics (formerly Invitae), Labcorp).

NM_144997.7(FLCN):c.396+1G>A

Gene: FLCN (folliculin; minus strand). Cytogenetic location: 17p11.2.
Variant type: single nucleotide variant.
Coding change: c.396+1G>A on transcript NM_144997.7 (MANE Select); the canonical splice donor site of the intron after coding-DNA position 396, G replaced by A.
Molecular consequence: splice donor variant.
Genome position (GRCh38, 1-based): chr17:17,226,175, C>T on the plus strand (G>A on the coding strand, the complement: FLCN is on the minus strand). VCF-style: chr17-17226175-C-T. GRCh37 (hg19) VCF-style: chr17-17129489-C-T.
Other names: c.396+1G>A (NM_001353229.2, NM_144606.7, NM_001353231.2 and 1 more transcripts).
Identifiers: ClinVar variation 1524886 (VCV001524886.9), dbSNP rs2145009900, ClinGen allele CA398534667.
Genomic context (GRCh38, chr17:17,226,175, plus strand): 5'-CCAGAGCACCTGGGAGCATGTGGGCTCCCACAGAGACAGGCTCTGTGGCCACAAGGCTCA[C>T]CTCACAGCTCAGGCTCCGGACACAGGCCTGGCGGACAATGCTGAAGAGCTGGGGGTGGCT-3'